The following is an entry in ClinVar:

NM_004260.4(RECQL4):c.2080G>C (p.Gly694Arg)

Gene: RECQL4 (RecQ like helicase 4; minus strand). Cytogenetic location: 8q24.3.
Variant type: single nucleotide variant.
Coding change: c.2080G>C on transcript NM_004260.4 (MANE Select); coding-DNA position 2080, G replaced by C.
Protein change: p.Gly694Arg; replaces glycine 694 with arginine.
Molecular consequence: missense variant.
Genome position (GRCh38, 1-based): chr8:144,513,691, C>G on the plus strand (G>C on the coding strand, the complement: RECQL4 is on the minus strand). VCF-style: chr8-144513691-C-G. GRCh37 (hg19) VCF-style: chr8-145739075-C-G.
Other names: short protein forms G694R.
Identifiers: ClinVar variation 406929 (VCV000406929.7), dbSNP rs750118023, ClinGen allele CA16612529.

ClinVar aggregate classification (germline): Uncertain significance. Review status: criteria provided, multiple submitters, no conflicts (2 of 4 stars). 2 submissions from 2 submitters: Uncertain significance (2). Last evaluated 2025-10-13.

Conditions:
Inborn genetic diseases. Identifiers: MedGen C0950123, MeSH D030342.
Baller-Gerold syndrome (BGS). Also called: CRANIOSYNOSTOSIS WITH RADIAL DEFECTS. Identifiers: Orphanet 1225, MedGen C0265308, MONDO:0009039, OMIM 218600.

Allele frequency attached by ClinVar (database versions not stated): gnomAD 0.00002; TOPMed 0.00002.
gnomAD v4.1: 7 of 1,548,208 alleles (0.00045%); highest among the groups gnomAD compares: East Asian, 0.017%; no homozygotes.

Submissions (2):

Labcorp Genetics (formerly Invitae), Labcorp
Classification: Uncertain significance for Baller-Gerold syndrome. Last evaluated: 2025-10-13. Review status: criteria provided, single submitter. Criteria: Invitae Variant Classification Sherloc (09022015). Collection method: clinical testing. Allele origin: germline.
Comment: This sequence change replaces glycine, which is neutral and non-polar, with arginine, which is basic and polar, at codon 694 of the RECQL4 protein (p.Gly694Arg). This variant is present in population databases (no rsID available, gnomAD 0.03%). This variant has not been reported in the literature in individuals affected with RECQL4-related conditions. ClinVar contains an entry for this variant (Variation ID: 406929). Invitae Evidence Modeling of protein sequence and biophysical properties (such as structural, functional, and spatial information, amino acid conservation, physicochemical variation, residue mobility, and thermodynamic stability) indicates that this missense variant is expected to disrupt RECQL4 protein function with a positive predictive value of 80%. In summary, the available evidence is currently insufficient to determine the role of this variant in disease. Therefore, it has been classified as a Variant of Uncertain Significance.

Ambry Genetics
Classification: Uncertain significance for Inborn genetic diseases. Last evaluated: 2025-01-06. Review status: criteria provided, single submitter. Criteria: Ambry Variant Classification Scheme 2023. Collection method: clinical testing. Allele origin: germline.
Comment: The p.G694R variant (also known as c.2080G>C), located in coding exon 13 of the RECQL4 gene, results from a G to C substitution at nucleotide position 2080. The glycine at codon 694 is replaced by arginine, an amino acid with dissimilar properties. This amino acid position is conserved. In addition, the in silico prediction for this alteration is inconclusive. Based on the available evidence, the clinical significance of this variant remains unclear.